The following is an entry in ClinVar:

ClinVar aggregate classification (germline): Uncertain significance. Review status: criteria provided, multiple submitters, no conflicts (2 of 4 stars). 2 submissions from 2 submitters: Uncertain significance (2). Last evaluated 2024-01-01.

Conditions:
Dilated cardiomyopathy 3B (CMD3B). Also called: CMD3B: DMD-Related Dilated Cardiomyopathy; CARDIOMYOPATHY, DILATED, X-LINKED; DMD-Associated Dilated Cardiomyopathy. Identifiers: Orphanet 154, MedGen C3668940, MONDO:0010542, OMIM 302045.
DMD-related disorder. Also called: DMD-related condition.

Allele frequency attached by ClinVar (database versions not stated): TOPMed 0.00002.

Submissions (2):

Daryl Scott Lab, Baylor College of Medicine
Classification: Uncertain significance for DMD-related disorder. Last evaluated: 2024-01-01. Review status: criteria provided, single submitter. Criteria: ACMG Guidelines, 2015. Collection method: clinical testing. Allele origin: unknown. Observed: 1 heterozygote.
Comment: PM2

Baylor Genetics
Classification: Uncertain significance for Dilated cardiomyopathy 3B. Last evaluated: 2020-06-08. Review status: criteria provided, single submitter. Criteria: ACMG Guidelines, 2015. Collection method: clinical testing. Allele origin: unknown. Affected: yes.
Comment: This variant was determined to be of uncertain significance according to ACMG Guidelines, 2015 [PMID:25741868].

NM_004006.3(DMD):c.10271C>T (p.Ser3424Leu)

Gene: DMD (dystrophin; minus strand). Cytogenetic location: Xp21.2.
Variant type: single nucleotide variant.
Coding change: c.10271C>T on transcript NM_004006.3 (MANE Select); coding-DNA position 10271, C replaced by T.
Protein change: p.Ser3424Leu; replaces serine 3424 with leucine.
Molecular consequence: missense variant. On other transcripts: intron variant (2).
Genome position (GRCh38, 1-based): chrX:31,173,596, G>A on the plus strand (C>T on the coding strand, the complement: DMD is on the minus strand). VCF-style: chrX-31173596-G-A. GRCh37 (hg19) VCF-style: chrX-31191713-G-A.
Other names: c.10247C>T, p.Ser3416Leu (NM_000109.4); c.10259C>T, p.Ser3420Leu (NM_004009.3); c.9902C>T, p.Ser3301Leu (NM_004010.3); c.6248C>T, p.Ser2083Leu (NM_004011.4); c.6239C>T, p.Ser2080Leu (NM_004012.4); c.2891C>T, p.Ser964Leu (NM_004013.3, NM_004021.3); c.2084C>T, p.Ser695Leu (NM_004014.3); c.1067C>T, p.Ser356Leu (NM_004015.3, NM_004016.3); and 3 more; short protein forms S3416L, S964L, S2080L, S3424L, S343L, S2083L, S3301L, S356L.
Identifiers: ClinVar variation 1030734 (VCV001030734.2), dbSNP rs1339174553, ClinGen allele CA412652395.